The following is an entry in ClinVar:

ClinVar aggregate classification (germline): Conflicting classifications of pathogenicity. Review status: criteria provided, conflicting classifications (1 of 4 stars). 10 submissions from 10 submitters: Uncertain significance (7); Likely benign (3). Last evaluated 2025-12-01.

Conditions:
Weill-Marchesani syndrome 2, dominant. Also called: FBN1-Related Weill-Marchesani Syndrome; Weill-Marchesani Syndrome, Autosomal Dominant. Identifiers: Orphanet 2084, MedGen C1869115, MONDO:0012013, OMIM 608328.
Ectopia lentis 1, isolated, autosomal dominant (ECTOL1). Identifiers: Orphanet 1885, MedGen C3541518, MONDO:0007514, OMIM 129600.
Marfan syndrome (MFS). Also called: MARFAN SYNDROME, TYPE I; FBN1-Related Marfan Syndrome; Marfan syndrome type 1; Marfan's syndrome; Marfan syndrome, classic. Identifiers: Orphanet 284963, Orphanet 558, MedGen C0024796, MONDO:0007947, OMIM 154700.
Stiff skin syndrome (SSKS). Identifiers: Orphanet 2833, MedGen C1861456, MONDO:0008492, OMIM 184900.
Acromicric dysplasia (ACMICD). Also called: Acromicric skeletal dysplasia. Identifiers: Orphanet 969, MedGen C0265287, MONDO:0007055, OMIM 102370.
Progeroid and marfanoid aspect-lipodystrophy syndrome. Also called: MARFANOID-PROGEROID SYNDROME; MARFAN-PROGEROID-LIPODYSTROPHY SYNDROME; Marfan lipodystrophy syndrome; MARFANOID-PROGEROID-LIPODYSTROPHY SYNDROME. Identifiers: Orphanet 300382, MedGen C4310796, MONDO:0014831, OMIM 616914.
MASS syndrome (OCTD). Also called: MASS PHENOTYPE; OVERLAP CONNECTIVE TISSUE DISEASE. Identifiers: MedGen C1858556, MONDO:0011431, OMIM 604308.
Geleophysic dysplasia 2 (GPHYSD2). Identifiers: Orphanet 2623, MedGen C3280054, MONDO:0013612, OMIM 614185.
Familial thoracic aortic aneurysm and aortic dissection (TAAD). Also called: Thoracic aortic aneurysms and dissections. Identifiers: Orphanet 91387, MedGen C4707243, MONDO:0019625.

Allele frequency attached by ClinVar (database versions not stated): ExAC 0.00002; gnomAD exomes 0.00004; gnomAD 0.00004; TOPMed 0.00004.
gnomAD v4.1: 184 of 1,614,032 alleles (0.011%); highest among the groups gnomAD compares: Non-Finnish European, 0.015%; no homozygotes.

Submissions (10):

Labcorp Genetics (formerly Invitae), Labcorp
Classification: Likely benign for Marfan syndrome; Familial thoracic aortic aneurysm and aortic dissection. Last evaluated: 2025-12-01. Review status: criteria provided, single submitter. Criteria: Invitae Variant Classification Sherloc (09022015). Collection method: clinical testing. Allele origin: germline.

Genomic Medicine Center of Excellence, King Faisal Specialist Hospital and Research Centre
Classification: Uncertain significance for Marfan syndrome. Last evaluated: 2025-09-10. Review status: criteria provided, single submitter. Criteria: ACMG Guidelines, 2015. Collection method: clinical testing. Allele origin: germline.

Color Diagnostics, LLC DBA Color Health
Classification: Uncertain significance for Familial thoracic aortic aneurysm and aortic dissection. Last evaluated: 2025-07-15. Review status: criteria provided, single submitter. Criteria: ACMG Guidelines, 2015. Collection method: clinical testing. Allele origin: germline.
Comment: This missense variant replaces arginine with histidine at codon 627 of the FBN1 protein. Computational prediction suggests that this variant may not impact protein structure and function. To our knowledge, functional studies have not been reported for this variant. This variant has been reported in an individual affected with thoracic aortic aneurysm and dissection (PMID: 29543232). This variant has been identified in 11/282840 chromosomes in the general population by the Genome Aggregation Database (gnomAD). The available evidence is insufficient to determine the role of this variant in disease conclusively. Therefore, this variant is classified as a Variant of Uncertain Significance.

Ambry Genetics
Classification: Uncertain significance for Familial thoracic aortic aneurysm and aortic dissection. Last evaluated: 2025-06-11. Review status: criteria provided, single submitter. Criteria: Ambry Variant Classification Scheme 2023. Collection method: clinical testing. Allele origin: germline.
Comment: The p.R627H variant (also known as c.1880G>A), located in coding exon 15 of the FBN1 gene, results from a G to A substitution at nucleotide position 1880. The arginine at codon 627 is replaced by histidine, an amino acid with highly similar properties. This variant was reported in individual(s) with features consistent with aortic aneurysm/dilation (Weerakkody R. Genet Med. 2018 Nov;20(11):1414-1422; Ambry internal data). This amino acid position is well conserved in available vertebrate species. In addition, this alteration is predicted to be tolerated by in silico analysis. Based on the available evidence, the clinical significance of this variant remains unclear.

GeneDx
Classification: Uncertain significance. Last evaluated: 2025-05-28. Review status: criteria provided, single submitter. Criteria: GeneDx Variant Classification Process June 2021. Collection method: clinical testing. Allele origin: germline. Affected: yes.
Comment: Identified in association with aortic aneurysm in two unrelated individuals in published literature (PMID: 29543232); In silico analysis suggests that this missense variant does not alter protein structure/function; Does not affect a cysteine or calcium-binding residue within an EGF-like domain or a TGF-binding protein domain of the FBN1 gene; cysteine substitutions in the EGF-like domains represent the majority of pathogenic missense changes associated with FBN1-related disorders (PMID: 12938084); This variant is associated with the following publications: (PMID: 12938084, 29543232, 38958168)

Women's Health and Genetics/Laboratory Corporation of America, LabCorp
Classification: Likely benign. Last evaluated: 2024-07-08. Review status: criteria provided, single submitter. Criteria: LabCorp Variant Classification Summary - May 2015. Collection method: clinical testing. Allele origin: germline.
Comment: Variant summary: FBN1 c.1880G>A (p.Arg627His) results in a non-conservative amino acid change located in an EGF-like repeat (IPR000742) of the encoded protein sequence. Three of five in-silico tools predict a benign effect of the variant on protein function. The variant was reported at an allele frequency (AF) of 0.00011 in the gnomAD database, predominantly within the on-Finnish European control individuals (AF: 0.00015). The observed variant frequency within Non-Finnish European control individuals in the gnomAD database is approximately 1.3 fold of the estimated maximal expected allele frequency for a pathogenic variant in FBN1 causing Marfan Syndrome phenotype (0.00011). c.1880G>A has been reported in the literature in individuals affected with thoracic aortic aneurysms (e.g., Weerakkody_2018), however no supportive evidence of causality was provided. This report does not provide unequivocal conclusions about association of the variant with Marfan Syndrome. To our knowledge, no experimental evidence demonstrating an impact on protein function has been reported. The following publication have been ascertained in the context of this evaluation (PMID: 29543232). ClinVar contains an entry for this variant (Variation ID: 418630). Based on the evidence outlined above, the variant was classified as likely benign.

All of Us Research Program, National Institutes of Health
Classification: Uncertain significance for Marfan syndrome. Last evaluated: 2023-12-01. Review status: criteria provided, single submitter. Criteria: ACMG Guidelines, 2015. Collection method: clinical testing. Allele origin: germline. Inheritance: Autosomal dominant inheritance. Observed: 10 variant alleles, 10 heterozygotes.
Comment: This missense variant replaces arginine with histidine at codon 627 of the FBN1 protein. Computational prediction suggests that this variant may not impact protein structure and function (internally defined REVEL score threshold <= 0.5, PMID: 27666373). To our knowledge, functional studies have not been reported for this variant. This variant has not been reported in individuals affected with cardiovascular disorders in the literature. This variant has been identified in 11/282840 chromosomes in the general population by the Genome Aggregation Database (gnomAD). The available evidence is insufficient to determine the role of this variant in disease conclusively. Therefore, this variant is classified as a Variant of Uncertain Significance.

This study involves interpretation of variants in research participants for the purpose of population health screening. Participant phenotype was not available at the time of variant classification. Additional details can be found in publication PMID: 35346344, PMCID: PMC8962531

Blueprint Genetics
Classification: Likely benign. Last evaluated: 2021-10-15. Review status: criteria provided, single submitter. Criteria: ACMG Guidelines, 2015. Collection method: clinical testing. Allele origin: germline.

Fulgent Genetics
Classification: Uncertain significance for Acromicric dysplasia; Ectopia lentis 1, isolated, autosomal dominant; Marfan syndrome; Stiff skin syndrome; MASS syndrome; Weill-Marchesani syndrome 2, dominant; Geleophysic dysplasia 2; Progeroid and marfanoid aspect-lipodystrophy syndrome. Last evaluated: 2021-09-30. Review status: criteria provided, single submitter. Criteria: ACMG Guidelines, 2015. Collection method: clinical testing. Allele origin: unknown.

Cambridge Genomics Laboratory, East Genomic Laboratory Hub, NHS Genomic Medicine Service
Classification: Uncertain significance for Familial thoracic aortic aneurysm and aortic dissection. Last evaluated: 2019-04-17. Review status: criteria provided, single submitter. Criteria: ACGS Best Practice Guidelines for Variant Classification in Rare Disease 2020. Collection method: clinical testing. Allele origin: germline. Affected: yes. Observed: 1 variant allele.

Literature cited by the submitters: PubMed 29543232 (cited by 3 submitters).

NM_000138.5(FBN1):c.1880G>A (p.Arg627His)

Gene: FBN1 (fibrillin 1; minus strand). Cytogenetic location: 15q21.1.
Variant type: single nucleotide variant.
Coding change: c.1880G>A on transcript NM_000138.5 (MANE Select); coding-DNA position 1880, G replaced by A.
Protein change: p.Arg627His; replaces arginine 627 with histidine.
Molecular consequence: missense variant.
Genome position (GRCh38, 1-based): chr15:48,505,105, C>T on the plus strand (G>A on the coding strand, the complement: FBN1 is on the minus strand). VCF-style: chr15-48505105-C-T. GRCh37 (hg19) VCF-style: chr15-48797302-C-T.
Other names: short protein forms R627H.
Identifiers: ClinVar variation 418630 (VCV000418630.26), dbSNP rs746073643, ClinGen allele CA046227.